The following is an entry in ClinVar:

ClinVar aggregate classification (germline): Uncertain significance (1 of 4 stars; one submission).

Conditions:
Trichotillomania. Also called: Hair-pulling. Identifiers: MedGen C0040953, MONDO:0013189, OMIM 613229, HP:0012167.

Allele frequency attached by ClinVar (database versions not stated): gnomAD exomes below 0.00001.

Submission:

Baylor Genetics
Classification: Uncertain significance for Trichotillomania. Last evaluated: 2019-03-11. Review status: criteria provided, single submitter. Criteria: ACMG Guidelines, 2015. Collection method: clinical testing. Allele origin: maternal. Affected: yes.
Comment: This variant was determined to be of uncertain significance according to ACMG Guidelines, 2015 [PMID:25741868].

NM_001281503.2(SLITRK1):c.707T>C (p.Ile236Thr)

Gene: SLITRK1 (SLIT and NTRK like family member 1; minus strand). Cytogenetic location: 13q31.1.
Variant type: single nucleotide variant.
Coding change: c.707T>C on transcript NM_001281503.2 (MANE Select); coding-DNA position 707, T replaced by C.
Protein change: p.Ile236Thr; replaces isoleucine 236 with threonine.
Molecular consequence: missense variant.
Genome position (GRCh38, 1-based): chr13:83,880,801, A>G on the plus strand (T>C on the coding strand, the complement: SLITRK1 is on the minus strand). VCF-style: chr13-83880801-A-G. GRCh37 (hg19) VCF-style: chr13-84454936-A-G.
Other names: c.707T>C, p.Ile236Thr (NM_052910.2); short protein forms I236T.
Identifiers: ClinVar variation 1030106 (VCV001030106.1), dbSNP rs1175103096, ClinGen allele CA388441045.